The following is an entry in ClinVar:

ClinVar aggregate classification (germline): Uncertain significance. Review status: criteria provided, multiple submitters, no conflicts (2 of 4 stars). 2 submissions from 2 submitters: Uncertain significance (2). Last evaluated 2022-02-08.

Conditions:
Peroxisome biogenesis disorder, complementation group K (CGK). Identifiers: MedGen C1866257, MONDO:0800365.

Allele frequency attached by ClinVar (database versions not stated): ExAC 0.00002.
gnomAD v4.1: 15 of 1,613,604 alleles (0.00093%); highest among the groups gnomAD compares: African/African-American, 0.0013%; no homozygotes.

Submissions (2):

Labcorp Genetics (formerly Invitae), Labcorp
Classification: Uncertain significance for Peroxisome biogenesis disorder, complementation group K. Last evaluated: 2022-02-08. Review status: criteria provided, single submitter. Criteria: Invitae Variant Classification Sherloc (09022015). Collection method: clinical testing. Allele origin: germline.
Comment: This sequence change replaces glutamic acid, which is acidic and polar, with lysine, which is basic and polar, at codon 211 of the PEX14 protein (p.Glu211Lys). In summary, the available evidence is currently insufficient to determine the role of this variant in disease. Therefore, it has been classified as a Variant of Uncertain Significance. Algorithms developed to predict the effect of missense changes on protein structure and function are either unavailable or do not agree on the potential impact of this missense change (SIFT: "Tolerated"; PolyPhen-2: "Probably Damaging"; Align-GVGD: "Class C0"). ClinVar contains an entry for this variant (Variation ID: 594069). This variant has not been reported in the literature in individuals affected with PEX14-related conditions. This variant is present in population databases (rs777737482, gnomAD 0.01%).

Eurofins Ntd Llc (ga)
Classification: Uncertain significance. Last evaluated: 2017-09-13. Review status: criteria provided, single submitter. Criteria: EGL Classification Definitions 2015. Collection method: clinical testing. Allele origin: germline. Observed: 2 variant alleles, 2 heterozygotes.

NM_004565.3(PEX14):c.631G>A (p.Glu211Lys)

Gene: PEX14 (peroxisomal biogenesis factor 14; plus strand). Cytogenetic location: 1p36.22.
Variant type: single nucleotide variant.
Coding change: c.631G>A on transcript NM_004565.3 (MANE Select); coding-DNA position 631, G replaced by A.
Protein change: p.Glu211Lys; replaces glutamic acid 211 with lysine.
Molecular consequence: missense variant.
Genome position (GRCh38, 1-based): chr1:10,627,317, G>A. VCF-style: chr1-10627317-G-A. GRCh37 (hg19) VCF-style: chr1-10687374-G-A.
Other names: short protein forms E211K.
Identifiers: ClinVar variation 594069 (VCV000594069.9), dbSNP rs777737482, ClinGen allele CA583921.
Genomic context (GRCh38, chr1:10,627,317, plus strand): 5'-GTGCTCTGCTTTCAGGCCACCACATCCACCAACTGGATCCTGGAGTCCCAGAATATCAAC[G>A]AACTCAAGTCCGAAATTAACTCCTTGAAAGGGCTTCTTTTAAATCGGTAGGAGGGAGGAA-3'
Protein context (NP_004556.1, residues 201-221): NWILESQNIN[Glu211Lys]LKSEINSLKG